The following is an entry in ClinVar:

ClinVar aggregate classification (germline): Uncertain significance (1 of 4 stars; one submission).

Allele frequency attached by ClinVar (database versions not stated): TOPMed 0.00001; ExAC 0.00002.
gnomAD v4.1: 9 of 1,614,112 alleles (0.00056%); highest among the groups gnomAD compares: Admixed American, 0.015%; no homozygotes.

Submission:

Labcorp Genetics (formerly Invitae), Labcorp
Classification: Uncertain significance. Last evaluated: 2022-09-27. Review status: criteria provided, single submitter. Criteria: Invitae Variant Classification Sherloc (09022015). Collection method: clinical testing. Allele origin: germline.
Comment: This sequence change replaces proline, which is neutral and non-polar, with serine, which is neutral and polar, at codon 465 of the FTO protein (p.Pro465Ser). This variant is present in population databases (rs754711298, gnomAD 0.02%). This variant has not been reported in the literature in individuals affected with FTO-related conditions. Algorithms developed to predict the effect of missense changes on protein structure and function output the following: SIFT: "Tolerated"; PolyPhen-2: "Benign"; Align-GVGD: "Class C0". The serine amino acid residue is found in multiple mammalian species, which suggests that this missense change does not adversely affect protein function. In summary, the available evidence is currently insufficient to determine the role of this variant in disease. Therefore, it has been classified as a Variant of Uncertain Significance.

NM_001080432.3(FTO):c.1393C>T (p.Pro465Ser)

Gene: FTO (FTO alpha-ketoglutarate dependent dioxygenase; plus strand). Cytogenetic location: 16q12.2.
Variant type: single nucleotide variant.
Coding change: c.1393C>T on transcript NM_001080432.3 (MANE Select); coding-DNA position 1393, C replaced by T.
Protein change: p.Pro465Ser; replaces proline 465 with serine.
Molecular consequence: missense variant.
Genome position (GRCh38, 1-based): chr16:54,111,790, C>T. VCF-style: chr16-54111790-C-T. GRCh37 (hg19) VCF-style: chr16-54145702-C-T.
Other names: c.1423C>T, p.Pro475Ser (NM_001363891.2); c.1456C>T, p.Pro486Ser (NM_001363894.2); c.1375C>T, p.Pro459Ser (NM_001363896.2); c.1315C>T, p.Pro439Ser (NM_001363897.2); c.1279C>T, p.Pro427Ser (NM_001363898.2, NM_001363899.2); c.1249C>T, p.Pro417Ser (NM_001363900.2, NM_001363901.2); c.1268C>T, p.Thr423Ile (NM_001363903.2); c.880C>T, p.Pro294Ser (NM_001363905.2); and 1 more; short protein forms P417S, P439S, P459S, P465S, P475S, P486S, P427S, P294S.
Identifiers: ClinVar variation 1923420 (VCV001923420.4), dbSNP rs754711298, ClinGen allele CA8058628.